The following is an entry in ClinVar:

NM_002291.3(LAMB1):c.4189A>G (p.Thr1397Ala)

Gene: LAMB1 (laminin subunit beta 1; minus strand). Cytogenetic location: 7q31.1.
Variant type: single nucleotide variant.
Coding change: c.4189A>G on transcript NM_002291.3 (MANE Select); coding-DNA position 4189, A replaced by G.
Protein change: p.Thr1397Ala; replaces threonine 1397 with alanine.
Molecular consequence: missense variant.
Genome position (GRCh38, 1-based): chr7:107,932,377, T>C on the plus strand (A>G on the coding strand, the complement: LAMB1 is on the minus strand). VCF-style: chr7-107932377-T-C. GRCh37 (hg19) VCF-style: chr7-107572822-T-C.
Other names: short protein forms T1397A.
Identifiers: ClinVar variation 1305677 (VCV001305677.9), dbSNP rs148726981, ClinGen allele CA4435102.

ClinVar aggregate classification (germline): Uncertain significance. Review status: criteria provided, multiple submitters, no conflicts (2 of 4 stars). 3 submissions from 3 submitters: Uncertain significance (3). Last evaluated 2025-10-06.

Conditions:
Inborn genetic diseases. Identifiers: MedGen C0950123, MeSH D030342.

Allele frequency attached by ClinVar (database versions not stated): gnomAD exomes 0.00002 and 0.00004; ExAC 0.00006; gnomAD 0.00011 and 0.00012; TOPMed 0.00014; ESP Exome Variant Server 0.00023.
gnomAD v4.1: 41 of 1,613,942 alleles (0.0025%); highest among the groups gnomAD compares: African/African-American, 0.037%; no homozygotes.

Submissions (3):

Labcorp Genetics (formerly Invitae), Labcorp
Classification: Uncertain significance. Last evaluated: 2025-10-06. Review status: criteria provided, single submitter. Criteria: Invitae Variant Classification Sherloc (09022015). Collection method: clinical testing. Allele origin: germline.
Comment: This sequence change replaces threonine, which is neutral and polar, with alanine, which is neutral and non-polar, at codon 1397 of the LAMB1 protein (p.Thr1397Ala). This variant is present in population databases (rs148726981, gnomAD 0.05%). This variant has not been reported in the literature in individuals affected with LAMB1-related conditions. ClinVar contains an entry for this variant (Variation ID: 1305677). An algorithm developed to predict the effect of missense changes on protein structure and function (PolyPhen-2) suggests that this variant is likely to be tolerated. In summary, the available evidence is currently insufficient to determine the role of this variant in disease. Therefore, it has been classified as a Variant of Uncertain Significance.

Ambry Genetics
Classification: Uncertain significance for Inborn genetic diseases. Last evaluated: 2024-12-24. Review status: criteria provided, single submitter. Criteria: Ambry Variant Classification Scheme 2023. Collection method: clinical testing. Allele origin: germline.

GeneDx
Classification: Uncertain significance. Last evaluated: 2023-01-20. Review status: criteria provided, single submitter. Criteria: GeneDx Variant Classification Process June 2021. Collection method: clinical testing. Allele origin: germline. Affected: yes.
Comment: In silico analysis supports that this missense variant does not alter protein structure/function; Has not been previously published as pathogenic or benign to our knowledge; This variant is associated with the following publications: (PMID: 23472759)